The following is an entry in ClinVar:

NM_001291415.2(KDM6A):c.134A>G (p.Glu45Gly)

Gene: KDM6A (lysine demethylase 6A; plus strand). Cytogenetic location: Xp11.3.
Variant type: single nucleotide variant.
Coding change: c.134A>G on transcript NM_001291415.2 (MANE Select); coding-DNA position 134, A replaced by G.
Protein change: p.Glu45Gly; replaces glutamic acid 45 with glycine.
Molecular consequence: missense variant. On other transcripts: 5 prime UTR variant (1), non-coding transcript variant (1).
Genome position (GRCh38, 1-based): chrX:44,873,685, A>G. VCF-style: chrX-44873685-A-G. GRCh37 (hg19) VCF-style: chrX-44732931-A-G.
Other names: c.134A>G, p.Glu45Gly (NM_001291416.2, NM_001291417.2, NM_001291418.2 and 9 more transcripts); c.-499A>G (NM_001291421.2); short protein forms E45G.
Identifiers: ClinVar variation 5008251 (VCV005008251.1).

ClinVar aggregate classification (germline): Uncertain significance (1 of 4 stars; one submission).

Submission:

GeneDx
Classification: Uncertain significance. Last evaluated: 2026-02-28. Review status: criteria provided, single submitter. Criteria: GeneDx Variant Classification Process June 2021. Collection method: clinical testing. Allele origin: germline.
Comment: Not observed at significant frequency in large population cohorts (gnomAD); In silico analysis supports that this missense variant has a deleterious effect on protein structure/function; Has not been previously published as pathogenic or benign to our knowledge